The following is an entry in ClinVar:

NM_005732.4(RAD50):c.519G>C (p.Lys173Asn)

Gene: RAD50 (RAD50 double strand break repair protein; plus strand). Cytogenetic location: 5q31.1.
Variant type: single nucleotide variant.
Coding change: c.519G>C on transcript NM_005732.4 (MANE Select); coding-DNA position 519, G replaced by C.
Protein change: p.Lys173Asn; replaces lysine 173 with asparagine.
Molecular consequence: missense variant.
Genome position (GRCh38, 1-based): chr5:132,579,470, G>C. VCF-style: chr5-132579470-G-C. GRCh37 (hg19) VCF-style: chr5-131915162-G-C.
Other names: short protein forms K173N.
Identifiers: ClinVar variation 1506875 (VCV001506875.8), dbSNP rs1285027216, ClinGen allele CA360934899.

ClinVar aggregate classification (germline): Uncertain significance (1 of 4 stars; one submission).

Conditions:
Hereditary cancer-predisposing syndrome. Also called: Hereditary neoplastic syndrome; Tumor predisposition; Neoplastic Syndromes, Hereditary; Hereditary Cancer Syndrome. Identifiers: Orphanet 140162, MedGen C0027672, MeSH D009386, MONDO:0015356.

Submission:

Labcorp Genetics (formerly Invitae), Labcorp
Classification: Uncertain significance for Hereditary cancer-predisposing syndrome. Last evaluated: 2021-07-21. Review status: criteria provided, single submitter. Criteria: Invitae Variant Classification Sherloc (09022015). Collection method: clinical testing. Allele origin: germline.
Comment: This variant has not been reported in the literature in individuals affected with RAD50-related conditions. Algorithms developed to predict the effect of missense changes on protein structure and function (SIFT, PolyPhen-2, Align-GVGD) all suggest that this variant is likely to be disruptive. In summary, the available evidence is currently insufficient to determine the role of this variant in disease. Therefore, it has been classified as a Variant of Uncertain Significance. This variant is not present in population databases (ExAC no frequency). This sequence change replaces lysine with asparagine at codon 173 of the RAD50 protein (p.Lys173Asn). The lysine residue is highly conserved and there is a moderate physicochemical difference between lysine and asparagine.